The following is an entry in ClinVar:

ClinVar aggregate classification (germline): Uncertain significance (1 of 4 stars; one submission).

Conditions:
PLXNA1-related disorder. Also called: PLXNA1-related condition.

gnomAD v4.1: 1 of 1,612,958 alleles (0.000062%); highest among the groups gnomAD compares: Admixed American, 0.0017%; no homozygotes.

Submission:

PreventionGenetics, part of Exact Sciences
Classification: Uncertain significance for PLXNA1-related condition. Last evaluated: 2026-08-04. Review status: criteria provided, single submitter. Criteria: ACMG Guidelines, 2015. Collection method: clinical testing. Allele origin: germline.
Comment: The PLXNA1 c.4910G>C variant is predicted to result in the amino acid substitution p.Arg1637Pro. To our knowledge, this variant has not been reported in the literature. This variant is reported in 0.0029% of alleles in individuals of Latino descent in gnomAD. At this time, the clinical significance of this variant is uncertain due to the absence of conclusive functional and genetic evidence.

NM_032242.4(PLXNA1):c.4910G>C (p.Arg1637Pro)

Gene: PLXNA1 (plexin A1; plus strand). Cytogenetic location: 3q21.3.
Variant type: single nucleotide variant.
Coding change: c.4910G>C on transcript NM_032242.4 (MANE Select); coding-DNA position 4910, G replaced by C.
Protein change: p.Arg1637Pro; replaces arginine 1637 with proline.
Molecular consequence: missense variant.
Genome position (GRCh38, 1-based): chr3:127,029,913, G>C. VCF-style: chr3-127029913-G-C. GRCh37 (hg19) VCF-style: chr3-126748756-G-C.
Other names: short protein forms R1637P.
Identifiers: ClinVar variation 5000096 (VCV005000096.1).